The following is an entry in ClinVar:

ClinVar aggregate classification (germline): Uncertain significance. Review status: criteria provided, multiple submitters, no conflicts (2 of 4 stars). 2 submissions from 2 submitters: Uncertain significance (2). Last evaluated 2026-01-12.

Conditions:
Inborn genetic diseases. Identifiers: MedGen C0950123, MeSH D030342.

Allele frequency attached by ClinVar (database versions not stated): gnomAD exomes 0.00001; TOPMed 0.00002; ExAC 0.00006.
gnomAD v4.1: 14 of 1,613,972 alleles (0.00087%); highest among the groups gnomAD compares: Admixed American, 0.022%; no homozygotes.

Submissions (2):

Labcorp Genetics (formerly Invitae), Labcorp
Classification: Uncertain significance. Last evaluated: 2026-01-12. Review status: criteria provided, single submitter. Criteria: Invitae Variant Classification Sherloc (09022015). Collection method: clinical testing. Allele origin: germline.
Comment: This sequence change falls in intron 9 of the AP3D1 gene. It does not directly change the encoded amino acid sequence of the AP3D1 protein. It affects a nucleotide within the consensus splice site. This variant is present in population databases (rs748688560, gnomAD 0.03%). This variant has not been reported in the literature in individuals affected with AP3D1-related conditions. ClinVar contains an entry for this variant (Variation ID: 2238200). Variants that disrupt the consensus splice site are a relatively common cause of aberrant splicing (PMID: 17576681, 9536098). Algorithms developed to predict the effect of sequence changes on RNA splicing suggest that this variant is not likely to affect RNA splicing. In summary, the available evidence is currently insufficient to determine the role of this variant in disease. Therefore, it has been classified as a Variant of Uncertain Significance.

Ambry Genetics
Classification: Uncertain significance for Inborn genetic diseases. Last evaluated: 2021-09-05. Review status: criteria provided, single submitter. Criteria: Ambry Variant Classification Scheme 2023. Collection method: clinical testing. Allele origin: germline.
Comment: The c.856+3G>A intronic alteration consists of a G to A substitution nucleotides after coding exon 9 in the AP3D1 gene. Based on insufficient or conflicting evidence, the clinical significance of this alteration remains unclear.

Literature cited by the submitters: PubMed 17576681 (cited by Labcorp Genetics (formerly Invitae), Labcorp); PubMed 9536098 (cited by Labcorp Genetics (formerly Invitae), Labcorp).

NM_001261826.3(AP3D1):c.856+3G>A

Gene: AP3D1 (adaptor related protein complex 3 subunit delta 1; minus strand). Cytogenetic location: 19p13.3.
Variant type: single nucleotide variant.
Coding change: c.856+3G>A on transcript NM_001261826.3 (MANE Select); 3 bases into the intron after coding-DNA position 856, G replaced by A.
Molecular consequence: intron variant.
Genome position (GRCh38, 1-based): chr19:2,127,149, C>T on the plus strand (G>A on the coding strand, the complement: AP3D1 is on the minus strand). VCF-style: chr19-2127149-C-T. GRCh37 (hg19) VCF-style: chr19-2127148-C-T.
Other names: c.856+3G>A (NM_003938.5, NM_003938.8, NM_001374799.1).
Identifiers: ClinVar variation 2238200 (VCV002238200.8), dbSNP rs748688560, ClinGen allele CA9059552.